The following is an entry in ClinVar:

ClinVar aggregate classification (germline): Pathogenic (1 of 4 stars; one submission).

Conditions:
Primary ciliary dyskinesia. Also called: Ciliary dyskinesia. Identifiers: Orphanet 244, MedGen C0008780, MONDO:0016575, HP:0012265.

Submission:

Labcorp Genetics (formerly Invitae), Labcorp
Classification: Pathogenic for Primary ciliary dyskinesia. Last evaluated: 2022-07-26. Review status: criteria provided, single submitter. Criteria: Invitae Variant Classification Sherloc (09022015). Collection method: clinical testing. Allele origin: germline.
Comment: For these reasons, this variant has been classified as Pathogenic. This variant disrupts a region of the RPGR (ORF15) protein in which other variant(s) (p.Leu1130Lysfs*13) have been determined to be pathogenic (PMID: 22264887; Invitae). This suggests that this is a clinically significant region of the protein, and that variants that disrupt it are likely to be disease-causing. This variant has not been reported in the literature in individuals affected with RPGR (ORF15)-related conditions. This variant is not present in population databases (gnomAD no frequency). This sequence change creates a premature translational stop signal (p.Glu774*) in the RPGR (ORF15) gene. While this is not anticipated to result in nonsense mediated decay, it is expected to disrupt the last 379 amino acid(s) of the RPGR (ORF15) protein.

Literature cited by the submitters: PubMed 22264887.

NM_001034853.2(RPGR):c.2320G>T (p.Glu774Ter)

Gene: RPGR (retinitis pigmentosa GTPase regulator; minus strand). Cytogenetic location: Xp11.4.
Variant type: single nucleotide variant.
Coding change: c.2320G>T on transcript NM_001034853.2 (MANE Select); coding-DNA position 2320, G replaced by T.
Protein change: p.Glu774Ter; replaces glutamic acid 774 with a stop codon.
Molecular consequence: nonsense. On other transcripts: intron variant (8).
Genome position (GRCh38, 1-based): chrX:38,286,679, C>A on the plus strand (G>T on the coding strand, the complement: RPGR is on the minus strand). VCF-style: chrX-38286679-C-A. GRCh37 (hg19) VCF-style: chrX-38145932-C-A.
Other names: c.1569+4280G>T (NM_001367249.1, NM_001367250.1); c.1902+415G>T (NM_001367245.1); c.1386+4280G>T (NM_001367251.1); c.1719+415G>T (NM_001367246.1); c.1572+4280G>T (NM_001367247.1); c.1905+415G>T (NM_000328.3); c.1602+4280G>T (NM_001367248.1); short protein forms E774*.
Identifiers: ClinVar variation 2081066 (VCV002081066.4), dbSNP rs2067186077, ClinGen allele CA412730921.